The following is an entry in ClinVar:

NM_015474.4(SAMHD1):c.1476del (p.Lys492fs)

Gene: SAMHD1 (SAM and HD domain containing deoxynucleoside triphosphate triphosphohydrolase 1; minus strand). Cytogenetic location: 20q11.23.
Variant type: Deletion.
Coding change: c.1476del on transcript NM_015474.4 (MANE Select); coding-DNA position 1476, one base deleted (A; older notation c.1476delA).
Protein change: p.Lys492fs; shifts the reading frame from lysine 492.
Molecular consequence: frameshift variant.
Genome position (GRCh38, 1-based): chr20:36,904,184, T deleted on the plus strand (A on the coding strand, the reverse complement: SAMHD1 is on the minus strand); the first of 3 consecutive T bases (chr20:36,904,184-36,904,186); deleting any one gives the same sequence. VCF-style (leftmost placement, unchanged base first): chr20-36904183-GT-G. GRCh37 (hg19) VCF-style: chr20-35532586-GT-G.
Other names: c.1476del, p.Lys492fs (NM_001363729.2, NM_001363733.2); c.1476delA (NM_015474.3); short protein forms K492fs.
Identifiers: ClinVar variation 659887 (VCV000659887.12), dbSNP rs768409471, ClinGen allele CA9844497.

ClinVar aggregate classification (germline): Pathogenic/Likely pathogenic. Review status: criteria provided, multiple submitters, no conflicts (2 of 4 stars). 4 submissions from 4 submitters: Pathogenic (2); Likely pathogenic (2). Last evaluated 2025-12-29.

Conditions:
Aicardi Goutieres syndrome (AGS). Also called: Encephalopathy, familial infantile, with calcification of basal ganglia and chronic cerebrospinal fluid lymphocytosis. Identifiers: Orphanet 51, MedGen C0393591, MONDO:0018866.
Chilblain lupus 2 (CHBL2). Identifiers: MedGen C3280721, MONDO:0013739, OMIM 614415.
Aicardi-Goutieres syndrome 5. Identifiers: Orphanet 51, MedGen C2749659, MONDO:0013059, OMIM 612952.
SAMHD1-related disorder. Also called: SAMHD1-related condition.

Submissions (4):

Natera, Inc.
Classification: Pathogenic for Aicardi-Goutieres syndrome. Last evaluated: 2025-12-29. Review status: criteria provided, single submitter. Criteria: Natera Variant Classification Schema (03/2026). Collection method: clinical testing. Allele origin: germline.
Comment: The c.1476delA variant in SAMHD1 is a frameshift variant predicted to shift the reading frame beginning at codon 492 and leads to a stop codon 2 codons downstream. This variant is expected to result in nonsense mediated decay, truncation, or a dysfunctional protein product. This variant is rare in the general population with a frequency below the threshold expected for the associated phenotype(s). This variant has been observed in one or more individuals affected with the associated recessive disease, as either homozygous or compound heterozygous with a second variant (PMID: 24183309). Given the available evidence, this variant is classified as Pathogenic.

Labcorp Genetics (formerly Invitae), Labcorp
Classification: Pathogenic for Aicardi-Goutieres syndrome 5. Last evaluated: 2024-08-07. Review status: criteria provided, single submitter. Criteria: Invitae Variant Classification Sherloc (09022015). Collection method: clinical testing. Allele origin: germline.
Comment: This sequence change creates a premature translational stop signal (p.Lys492Asnfs*2) in the SAMHD1 gene. It is expected to result in an absent or disrupted protein product. Loss-of-function variants in SAMHD1 are known to be pathogenic (PMID: 19525956, 22461318). This variant is present in population databases (rs768409471, gnomAD 0.002%). This premature translational stop signal has been observed in individual(s) with Aicardi-Goutièressyndrome (PMID: 24183309). ClinVar contains an entry for this variant (Variation ID: 659887). For these reasons, this variant has been classified as Pathogenic.

Fulgent Genetics
Classification: Likely pathogenic for Aicardi-Goutieres syndrome 5; Chilblain lupus 2. Last evaluated: 2022-05-11. Review status: criteria provided, single submitter. Criteria: ACMG Guidelines, 2015. Collection method: clinical testing. Allele origin: unknown.

Blueprint Genetics
Classification: Likely pathogenic for SAMHD1-related disorders. Last evaluated: 2022-03-16. Review status: criteria provided, single submitter. Criteria: ACMG Guidelines, 2015. Collection method: clinical testing. Allele origin: germline. Affected: yes. Observed: 1 variant allele.

Literature cited by the submitters: PubMed 24183309 (cited by Natera, Inc. and Labcorp Genetics (formerly Invitae), Labcorp); PubMed 19525956 (cited by Labcorp Genetics (formerly Invitae), Labcorp); PubMed 22461318 (cited by Labcorp Genetics (formerly Invitae), Labcorp).